The following is an entry in ClinVar:

ClinVar aggregate classification (germline): Uncertain significance (1 of 4 stars; one submission).

Conditions:
Familial thoracic aortic aneurysm and aortic dissection (TAAD). Also called: Thoracic aortic aneurysms and dissections. Identifiers: Orphanet 91387, MedGen C4707243, MONDO:0019625.

Allele frequency attached by ClinVar (database versions not stated): gnomAD exomes below 0.00001.
gnomAD v4.1: 1 of 1,613,622 alleles (0.000062%); highest among the groups gnomAD compares: Non-Finnish European, 0.000085%; no homozygotes.

Submission:

Color Diagnostics, LLC DBA Color Health
Classification: Uncertain significance for Familial thoracic aortic aneurysm and aortic dissection. Last evaluated: 2024-03-06. Review status: criteria provided, single submitter. Criteria: ACMG Guidelines, 2015. Collection method: clinical testing. Allele origin: germline.
Comment: This missense variant replaces isoleucine with threonine at codon 2437 of the FBN1 protein. Computational prediction suggests that this variant may not impact protein structure and function (internally defined REVEL score threshold <= 0.5, PMID: 27666373). To our knowledge, functional studies have not been reported for this variant. This variant has not been reported in individuals affected with cardiovascular disorders in the literature. This variant has not been identified in the general population by the Genome Aggregation Database (gnomAD). The available evidence is insufficient to determine the role of this variant in disease conclusively. Therefore, this variant is classified as a Variant of Uncertain Significance.

NM_000138.5(FBN1):c.7310T>C (p.Ile2437Thr)

Gene: FBN1 (fibrillin 1; minus strand). Cytogenetic location: 15q21.1.
Variant type: single nucleotide variant.
Coding change: c.7310T>C on transcript NM_000138.5 (MANE Select); coding-DNA position 7310, T replaced by C.
Protein change: p.Ile2437Thr; replaces isoleucine 2437 with threonine.
Molecular consequence: missense variant.
Genome position (GRCh38, 1-based): chr15:48,425,759, A>G on the plus strand (T>C on the coding strand, the complement: FBN1 is on the minus strand). VCF-style: chr15-48425759-A-G. GRCh37 (hg19) VCF-style: chr15-48717956-A-G.
Other names: short protein forms I2437T.
Identifiers: ClinVar variation 1171434 (VCV001171434.3), dbSNP rs2141226872, ClinGen allele CA392328519.